The following is an entry in ClinVar:

NM_001876.4(CPT1A):c.1941C>G (p.Ala647=)

Gene: CPT1A (carnitine palmitoyltransferase 1A; minus strand). Cytogenetic location: 11q13.3.
Variant type: single nucleotide variant.
Coding change: c.1941C>G on transcript NM_001876.4 (MANE Select); coding-DNA position 1941, C replaced by G.
Protein change: p.Ala647=; no amino-acid change (alanine 647 retained).
Molecular consequence: synonymous variant.
Genome position (GRCh38, 1-based): chr11:68,761,622, G>C on the plus strand (C>G on the coding strand, the complement: CPT1A is on the minus strand). VCF-style: chr11-68761622-G-C. GRCh37 (hg19) VCF-style: chr11-68529090-G-C.
Other names: p.A647A:GCC>GCG; c.1941C>G, p.Ala647= (NM_001031847.3).
Identifiers: ClinVar variation 203653 (VCV000203653.21), dbSNP rs115731492, ClinGen allele CA312407.

ClinVar aggregate classification (germline): Benign. Review status: criteria provided, multiple submitters, no conflicts (2 of 4 stars). 6 submissions from 6 submitters: Benign (5). 1 of the submissions does not count toward it. Last evaluated 2026-02-02.

Conditions:
Carnitine palmitoyl transferase 1A deficiency. Also called: CPT deficiency, hepatic, type IA; Carnitine palmitoyltransferase type I deficiency; CPT I DEFICIENCY; CPT DEFICIENCY, HEPATIC, TYPE I; Carnitine palmitoyltransferase 1A deficiency. Identifiers: Orphanet 156, MedGen C1829703, MONDO:0009705, OMIM 255120.

Allele frequency attached by ClinVar (database versions not stated): gnomAD 0.00824 and 0.00879; ESP Exome Variant Server 0.00901; TOPMed 0.00959; 1000 Genomes Project 0.01238; 1000 Genomes Project 30x 0.01249.
gnomAD v4.1: 2,530 of 1,614,098 alleles (0.16%); highest among the groups gnomAD compares: African/African-American, 2.9%; 40 homozygotes.

Submissions (6):

Labcorp Genetics (formerly Invitae), Labcorp
Classification: Benign for Carnitine palmitoyl transferase 1A deficiency. Last evaluated: 2026-02-02. Review status: criteria provided, single submitter. Criteria: Invitae Variant Classification Sherloc (09022015). Collection method: clinical testing. Allele origin: germline.

ARUP Laboratories, Molecular Genetics and Genomics, ARUP Laboratories
Classification: Benign for Carnitine palmitoyl transferase 1A deficiency. Last evaluated: 2025-04-17. Review status: criteria provided, single submitter. Criteria: ARUP Molecular Germline Variant Investigation Process 2024. Collection method: clinical testing. Allele origin: germline.

Eurofins Ntd Llc (ga)
Classification: Benign. Last evaluated: 2017-01-31. Review status: criteria provided, single submitter. Criteria: EGL Classification Definitions 2015. Collection method: clinical testing. Allele origin: germline. Observed: 1 variant allele, 1 heterozygote.

GeneDx
Classification: Benign. Last evaluated: 2014-10-08. Review status: criteria provided, single submitter. Criteria: GeneDx Variant Classification (06012015). Collection method: clinical testing. Allele origin: germline. Affected: yes.
Comment: This variant is considered likely benign or benign based on one or more of the following criteria: it is a conservative change, it occurs at a poorly conserved position in the protein, it is predicted to be benign by multiple in silico algorithms, and/or has population frequency not consistent with disease.

Breakthrough Genomics
Classification: Benign. Review status: criteria provided, single submitter. Criteria: ACMG Guidelines, 2015. Collection method: not provided. Allele origin: germline. Inheritance: Autosomal recessive inheritance. Affected: yes.

Natera, Inc.
Classification: Benign for Carnitine palmitoyltransferase type I deficiency. Last evaluated: 2020-09-16. Review status: no assertion criteria provided. Collection method: clinical testing. Allele origin: germline. Not counted in ClinVar's aggregate classification.